The following is an entry in ClinVar:

ClinVar aggregate classification (germline): Uncertain significance (1 of 4 stars; one submission).

Allele frequency attached by ClinVar (database versions not stated): gnomAD exomes below 0.00001; gnomAD 0.00001.
gnomAD v4.1: 3 of 1,202,939 alleles (0.00025%); highest among the groups gnomAD compares: East Asian, 0.003%; no homozygotes.

Submission:

Labcorp Genetics (formerly Invitae), Labcorp
Classification: Uncertain significance. Last evaluated: 2021-11-03. Review status: criteria provided, single submitter. Criteria: Invitae Variant Classification Sherloc (09022015). Collection method: clinical testing. Allele origin: germline.
Comment: This variant has not been reported in the literature in individuals affected with COL4A6-related conditions. In summary, the available evidence is currently insufficient to determine the role of this variant in disease. Therefore, it has been classified as a Variant of Uncertain Significance. Algorithms developed to predict the effect of missense changes on protein structure and function are either unavailable or do not agree on the potential impact of this missense change (SIFT: "Deleterious"; PolyPhen-2: "Benign"; Align-GVGD: "Class C0"). This variant is not present in population databases (gnomAD no frequency). This sequence change replaces valine, which is neutral and non-polar, with methionine, which is neutral and non-polar, at codon 787 of the COL4A6 protein (p.Val787Met).

NM_033641.4(COL4A6):c.2356G>A (p.Val786Met)

Gene: COL4A6 (collagen type IV alpha 6 chain; minus strand). Cytogenetic location: Xq22.3.
Variant type: single nucleotide variant.
Coding change: c.2356G>A on transcript NM_033641.4 (MANE Select); coding-DNA position 2356, G replaced by A.
Protein change: p.Val786Met; replaces valine 786 with methionine.
Molecular consequence: missense variant.
Genome position (GRCh38, 1-based): chrX:108,178,843, C>T on the plus strand (G>A on the coding strand, the complement: COL4A6 is on the minus strand). VCF-style: chrX-108178843-C-T. GRCh37 (hg19) VCF-style: chrX-107422073-C-T.
Other names: c.2407G>A, p.Val803Met (NM_001287758.2); c.2356G>A, p.Val786Met (NM_001287759.2, NM_001287760.2); c.2359G>A, p.Val787Met (NM_001847.4); short protein forms V786M, V787M, V803M.
Identifiers: ClinVar variation 1441511 (VCV001441511.6), dbSNP rs2034585208, ClinGen allele CA413858847.
Genomic context (GRCh38, chrX:108,178,843, plus strand): 5'-CTGGTGTCCCAGGGCTGCCCCGCTCACCTTTGGGGCCTAGTAAGCCAGGCTTCCCGTGCA[C>T]ACCTGATAAAAGAAAAGGGCAAATGATCACAGCCTGGAGAGATAGCAGTGAGTGGGTCAG-3'
Protein context (NP_378667.1, residues 776-796): GDSGLPGLKG[Val786Met]HGKPGLLGPK